The following is an entry in ClinVar:

NM_002618.4(PEX13):c.62G>A (p.Gly21Glu)

Genes: PEX13 (peroxisomal biogenesis factor 13; plus strand), PUS10 (pseudouridine synthase 10; minus strand). Cytogenetic location: 2p15.
Variant type: single nucleotide variant.
Coding change: c.62G>A on transcript NM_002618.4 (MANE Select); coding-DNA position 62, G replaced by A.
Protein change: p.Gly21Glu; replaces glycine 21 with glutamic acid.
Molecular consequence: missense variant. On other transcripts: intron variant (2).
Genome position (GRCh38, 1-based): chr2:61,017,821, G>A. VCF-style: chr2-61017821-G-A. GRCh37 (hg19) VCF-style: chr2-61244956-G-A.
Other names: c.-16+187C>T (NM_144709.4); c.-623+187C>T (NM_001322127.1); short protein forms G21E.
Identifiers: ClinVar variation 1369983 (VCV001369983.3), dbSNP rs1249025009, ClinGen allele CA346937059.

ClinVar aggregate classification (germline): Uncertain significance (1 of 4 stars; one submission).

Conditions:
Peroxisome biogenesis disorder 11A (Zellweger). Also called: Peroxisome biogenesis disorder 11A. Identifiers: Orphanet 912, MedGen C3554000, MONDO:0013949, OMIM 614883.

Allele frequency attached by ClinVar (database versions not stated): gnomAD exomes below 0.00001 and 0.00002; TOPMed below 0.00001.
gnomAD v4.1: 5 of 1,550,568 alleles (0.00032%); highest among the groups gnomAD compares: Admixed American, 0.0078%; no homozygotes.

Submission:

Labcorp Genetics (formerly Invitae), Labcorp
Classification: Uncertain significance for Peroxisome biogenesis disorder 11A (Zellweger). Last evaluated: 2022-08-09. Review status: criteria provided, single submitter. Criteria: Invitae Variant Classification Sherloc (09022015). Collection method: clinical testing. Allele origin: germline.
Comment: This sequence change replaces glycine, which is neutral and non-polar, with glutamic acid, which is acidic and polar, at codon 21 of the PEX13 protein (p.Gly21Glu). This variant is present in population databases (no rsID available, gnomAD 0.008%). This variant has not been reported in the literature in individuals affected with PEX13-related conditions. ClinVar contains an entry for this variant (Variation ID: 1369983). Algorithms developed to predict the effect of missense changes on protein structure and function (SIFT, PolyPhen-2, Align-GVGD) all suggest that this variant is likely to be tolerated. In summary, the available evidence is currently insufficient to determine the role of this variant in disease. Therefore, it has been classified as a Variant of Uncertain Significance.